The following is an entry in ClinVar:

NM_023036.6(DNAI2):c.935_936insCTGTCTCTTATAC (p.Glu312fs)

Gene: DNAI2 (dynein axonemal intermediate chain 2; plus strand). Cytogenetic location: 17q25.1.
Variant type: Insertion.
Coding change: c.935_936insCTGTCTCTTATAC on transcript NM_023036.6 (MANE Select); coding-DNA positions 935 to 936, CTGTCTCTTATAC inserted.
Protein change: p.Glu312fs; shifts the reading frame from glutamic acid 312.
Molecular consequence: frameshift variant. On other transcripts: non-coding transcript variant (1).
Genome position: GRCh38 VCF-style: chr17-74301116-A-ACTGTCTCTTATAC. GRCh37 (hg19) VCF-style: chr17-72297255-A-ACTGTCTCTTATAC.
Other names: c.935_936insCTGTCTCTTATAC, p.Glu312fs (NM_001172810.3, NM_001353167.2); short protein forms E312fs.
Identifiers: ClinVar variation 5010431 (VCV005010431.1).

ClinVar aggregate classification (germline): Pathogenic (1 of 4 stars; one submission).

Conditions:
Primary ciliary dyskinesia 9. Also called: CILIARY DYSKINESIA, PRIMARY, 9, WITH OR WITHOUT SITUS INVERSUS. Identifiers: Orphanet 244, MedGen C2676235, MONDO:0012906, OMIM 612444.

Submission:

Myriad Genetics, Inc.
Classification: Pathogenic for Primary ciliary dyskinesia 9. Last evaluated: 2024-05-14. Review status: criteria provided, single submitter. Criteria: Myriad Autosomal Dominant, Autosomal Recessive and X-Linked Classification Criteria (2023). Collection method: clinical testing. Allele origin: unknown.
Comment: NM_023036.4(DNAI2):c.935_936ins13(E312Dfs*47) is expected to be pathogenic in the context of primary ciliary dyskinesia, DNAI2-related. This variant is predicted to lead to an abnormal or absent protein product due to the creation of a premature termination codon in DNAI2, a gene where loss-of-function variants are known to be pathogenic. Please note: this variant was assessed in the context of healthy population screening.